The following is an entry in ClinVar:

NM_001267550.2(TTN):c.95350G>A (p.Ala31784Thr)

Genes: TTN-AS1 (TTN antisense RNA 1; plus strand), TTN (titin; minus strand). Cytogenetic location: 2q31.2.
Variant type: single nucleotide variant.
Coding change: c.95350G>A on transcript NM_001267550.2 (MANE Select); coding-DNA position 95350, G replaced by A.
Protein change: p.Ala31784Thr; replaces alanine 31784 with threonine.
Molecular consequence: missense variant.
Genome position (GRCh38, 1-based): chr2:178,545,886, C>T on the plus strand (G>A on the coding strand, the complement: TTN is on the minus strand). VCF-style: chr2-178545886-C-T. GRCh37 (hg19) VCF-style: chr2-179410613-C-T.
Other names: c.90427G>A, p.Ala30143Thr (NM_001256850.1); c.68155G>A, p.Ala22719Thr (NM_003319.4); c.87646G>A, p.Ala29216Thr (NM_133378.4); c.68530G>A, p.Ala22844Thr (NM_133432.3); c.68731G>A, p.Ala22911Thr (NM_133437.4); short protein forms A22719T, A22844T, A22911T, A29216T, A30143T, A31784T.
Identifiers: ClinVar variation 2413924 (VCV002413924.4), dbSNP rs2469025340, ClinGen allele CA349462716.

ClinVar aggregate classification (germline): Uncertain significance (1 of 4 stars; one submission).

Conditions:
Autosomal recessive limb-girdle muscular dystrophy type 2J (LGMDR10). Also called: Limb-girdle muscular dystrophy, type 2J; MUSCULAR DYSTROPHY, LIMB-GIRDLE, AUTOSOMAL RECESSIVE 10. Identifiers: Orphanet 140922, MedGen C1837342, MONDO:0012127, OMIM 608807.
Dilated cardiomyopathy 1G (CMD1G). Identifiers: Orphanet 154, MedGen C1858763, MONDO:0011400, OMIM 604145.

Allele frequency attached by ClinVar (database versions not stated): gnomAD exomes below 0.00001.
gnomAD v4.1: 1 of 1,613,878 alleles (0.000062%); highest among the groups gnomAD compares: Non-Finnish European, 0.000085%; no homozygotes.

Submission:

Labcorp Genetics (formerly Invitae), Labcorp
Classification: Uncertain significance for Dilated cardiomyopathy 1G; Autosomal recessive limb-girdle muscular dystrophy type 2J. Last evaluated: 2025-09-09. Review status: criteria provided, single submitter. Criteria: Invitae Variant Classification Sherloc (09022015). Collection method: clinical testing. Allele origin: germline.
Comment: This sequence change replaces alanine, which is neutral and non-polar, with threonine, which is neutral and polar, at codon 31784 of the TTN protein (p.Ala31784Thr). This variant is not present in population databases (gnomAD no frequency). This variant has not been reported in the literature in individuals affected with TTN-related conditions. ClinVar contains an entry for this variant (Variation ID: 2413924). Experimental studies and prediction algorithms are not available or were not evaluated, and the functional significance of this variant is currently unknown. This variant is located in the A band of TTN (PMID: 25589632). Variants in this region may be relevant for cardiac or neuromuscular disorders (PMID: 25589632, 23975875). This variant disrupts the p.Ala31784 amino acid residue in TTN. Other variant(s) that disrupt this residue have been determined to be pathogenic (PMID: 30666435; internal data). This suggests that this residue is clinically significant, and that variants that disrupt this residue are likely to be disease-causing. In summary, the available evidence is currently insufficient to determine the role of this variant in disease. Therefore, it has been classified as a Variant of Uncertain Significance.

Literature cited by the submitters: PubMed 25589632; PubMed 23975875; PubMed 30666435.